The following is an entry in ClinVar:

NM_001904.4(CTNNB1):c.1931T>C (p.Leu644Pro)

Gene: CTNNB1 (catenin beta 1; plus strand). Cytogenetic location: 3p22.1.
Variant type: single nucleotide variant.
Coding change: c.1931T>C on transcript NM_001904.4 (MANE Select); coding-DNA position 1931, T replaced by C.
Protein change: p.Leu644Pro; replaces leucine 644 with proline.
Molecular consequence: missense variant.
Genome position (GRCh38, 1-based): chr3:41,236,476, T>C. VCF-style: chr3-41236476-T-C. GRCh37 (hg19) VCF-style: chr3-41277967-T-C.
Other names: c.1931T>C, p.Leu644Pro (NM_001098209.2, NM_001098210.2); c.1910T>C, p.Leu637Pro (NM_001330729.2); short protein forms L644P, L637P.
Identifiers: ClinVar variation 2822057 (VCV002822057.3), dbSNP rs2470847549, ClinGen allele CA352236363.
Genomic context (GRCh38, chr3:41,236,476, plus strand): 5'-ACAAGGAAGCTGCAGAAGCTATTGAAGCTGAGGGAGCCACAGCTCCTCTGACAGAGTTAC[T>C]TCACTCTAGGAATGAAGGTGTGGGTAAGTAAAAAGGAACCAAAGCCTTTAGCAGATGTGT-3'
Protein context (NP_001895.1, residues 634-654): EGATAPLTEL[Leu644Pro]HSRNEGVATY

ClinVar aggregate classification (germline): Uncertain significance (1 of 4 stars; one submission).

Submission:

Labcorp Genetics (formerly Invitae), Labcorp
Classification: Uncertain significance. Last evaluated: 2022-12-18. Review status: criteria provided, single submitter. Criteria: Invitae Variant Classification Sherloc (09022015). Collection method: clinical testing. Allele origin: germline.
Comment: This sequence change replaces leucine, which is neutral and non-polar, with proline, which is neutral and non-polar, at codon 644 of the CTNNB1 protein (p.Leu644Pro). This variant is not present in population databases (gnomAD no frequency). This variant has not been reported in the literature in individuals affected with CTNNB1-related conditions. Advanced modeling of protein sequence and biophysical properties (such as structural, functional, and spatial information, amino acid conservation, physicochemical variation, residue mobility, and thermodynamic stability) performed at Invitae indicates that this missense variant is expected to disrupt CTNNB1 protein function. In summary, the available evidence is currently insufficient to determine the role of this variant in disease. Therefore, it has been classified as a Variant of Uncertain Significance.